The following is an entry in ClinVar:

ClinVar aggregate classification (germline): Uncertain significance. Review status: criteria provided, multiple submitters, no conflicts (2 of 4 stars). 2 submissions from 2 submitters: Uncertain significance (2). Last evaluated 2022-07-13.

Allele frequency attached by ClinVar (database versions not stated): gnomAD 0.00001; gnomAD exomes 0.00001; TOPMed 0.00001.
gnomAD v4.1: 15 of 1,613,882 alleles (0.00093%); highest among the groups gnomAD compares: Non-Finnish European, 0.0012%; no homozygotes.

Submissions (2):

Blueprint Genetics
Classification: Uncertain significance. Last evaluated: 2022-07-13. Review status: criteria provided, single submitter. Criteria: ACMG Guidelines, 2015. Collection method: clinical testing. Allele origin: germline.

Labcorp Genetics (formerly Invitae), Labcorp
Classification: Uncertain significance. Last evaluated: 2022-05-04. Review status: criteria provided, single submitter. Criteria: Invitae Variant Classification Sherloc (09022015). Collection method: clinical testing. Allele origin: germline.
Comment: In summary, the available evidence is currently insufficient to determine the role of this variant in disease. Therefore, it has been classified as a Variant of Uncertain Significance. Algorithms developed to predict the effect of missense changes on protein structure and function are either unavailable or do not agree on the potential impact of this missense change (SIFT: "Deleterious"; PolyPhen-2: "Benign"; Align-GVGD: "Class C0"). This variant has not been reported in the literature in individuals affected with IMPDH1-related conditions. This variant is not present in population databases (gnomAD no frequency). This sequence change replaces alanine, which is neutral and non-polar, with valine, which is neutral and non-polar, at codon 161 of the IMPDH1 protein (p.Ala161Val).

NM_000883.4(IMPDH1):c.482C>T (p.Ala161Val)

Gene: IMPDH1 (inosine monophosphate dehydrogenase 1; minus strand). Cytogenetic location: 7q32.1.
Variant type: single nucleotide variant.
Coding change: c.482C>T on transcript NM_000883.4 (MANE Select); coding-DNA position 482, C replaced by T.
Protein change: p.Ala161Val; replaces alanine 161 with valine.
Molecular consequence: missense variant.
Genome position (GRCh38, 1-based): chr7:128,401,037, G>A on the plus strand (C>T on the coding strand, the complement: IMPDH1 is on the minus strand). VCF-style: chr7-128401037-G-A. GRCh37 (hg19) VCF-style: chr7-128041091-G-A.
Other names: c.452C>T, p.Ala151Val (NM_001102605.2); c.227C>T, p.Ala76Val (NM_001142573.2, NM_001142574.2, NM_001142575.2); c.383C>T, p.Ala128Val (NM_001142576.2); c.275C>T, p.Ala92Val (NM_001304521.2); c.374C>T, p.Ala125Val (NM_183243.3); short protein forms A125V, A128V, A151V, A161V, A76V, A92V.
Identifiers: ClinVar variation 2181397 (VCV002181397.5), dbSNP rs1798299479, ClinGen allele CA369174375.